The following is an entry in ClinVar:

NM_001142800.2(EYS):c.6714del (p.Ile2239fs)

Gene: EYS (EGF-like photoreceptor maintenance factor; minus strand). Cytogenetic location: 6q12.
Variant type: Deletion.
Coding change: c.6714del on transcript NM_001142800.2 (MANE Select); coding-DNA position 6714, one base deleted (T; older notation c.6714delT).
Protein change: p.Ile2239fs; shifts the reading frame from isoleucine 2239.
Molecular consequence: frameshift variant.
Genome position (GRCh38, 1-based): chr6:64,066,349, A deleted on the plus strand (T on the coding strand, the reverse complement: EYS is on the minus strand). VCF-style (leftmost placement, unchanged base first): chr6-64066348-TA-T. GRCh37 (hg19) VCF-style: chr6-64776241-TA-T.
Other names: c.6714delT (NM_001142800.2); c.6714del, p.Ile2239fs (NM_001292009.2); short protein forms I2239fs.
Identifiers: ClinVar variation 357699 (VCV000357699.77), dbSNP rs752953889, ClinGen allele CA10624516.

ClinVar aggregate classification (germline): Pathogenic/Likely pathogenic. Review status: criteria provided, multiple submitters, no conflicts (2 of 4 stars). 26 submissions from 26 submitters: Pathogenic (21); Likely pathogenic (1). 4 of the submissions do not count toward it. Last evaluated 2026-09-03.

Conditions:
Retinal dystrophy. Also called: Inherited retinal dystrophy. Identifiers: Orphanet 71862, MedGen C0854723, MeSH D058499, MONDO:0019118, HP:0000556.
Retinitis pigmentosa 25 (RP25). Identifiers: Orphanet 791, MedGen C1864446, MONDO:0011272, OMIM 602772.
Retinal disorder. Also called: Retinopathies; Retinal Diseases; Retinopathy; Retinal disorders. Identifiers: MedGen C0035309, MONDO:0005283, HP:0000488.
EYS-related disorder. Also called: EYS-related condition.
Retinitis pigmentosa (RP). Identifiers: Orphanet 791, MedGen C0035334, MeSH D012174, MONDO:0019200, OMIM 268000. Inheritance: Autosomal dominant, autosomal recessive and X linked inheritance.

Allele frequency attached by ClinVar (database versions not stated): gnomAD 0.00003; gnomAD exomes 0.00004 and 0.00005; TOPMed 0.00005.

Submissions 1 to 15 of 26:

PreventionGenetics, part of Exact Sciences
Classification: Pathogenic for EYS-related condition. Last evaluated: 2026-09-03. Review status: criteria provided, single submitter. Criteria: ACMG Guidelines, 2015. Collection method: clinical testing. Allele origin: germline.
Comment: The EYS c.6714delT variant is predicted to result in a frameshift and premature protein termination (p.Ile2239Serfs*17). This variant has been reported in multiple individuals with EYS-related retinal disease (see for example, Collin et al. 2008. PubMed ID: 18976725; Katagiri et al. 2014. PubMed ID: 25268133; Supplementary Table 1, Weisschuh et al. 2024. PubMed ID: 37734845). This variant is reported in 0.0092% of alleles in individuals of East Asian descent in gnomAD. Frameshift variants in EYS are expected to be pathogenic. This variant is interpreted as pathogenic.

Genetics Laboratory, Great Ormond Street Hospital NHS Foundation Trust, North Thames Genomic Laboratory Hub
Classification: Pathogenic for Retinal disorders. Last evaluated: 2026-04-08. Review status: criteria provided, single submitter. Criteria: ACGS Best Practice Guidelines for Variant Classification in Rare Disease 2024 v1.2. Collection method: clinical testing. Allele origin: germline. Affected: yes.
Comment: PM2_moderate, PVS1_very-strong, PM3_strong

Labcorp Genetics (formerly Invitae), Labcorp
Classification: Pathogenic. Last evaluated: 2025-12-29. Review status: criteria provided, single submitter. Criteria: Invitae Variant Classification Sherloc (09022015). Collection method: clinical testing. Allele origin: germline.
Comment: This sequence change creates a premature translational stop signal (p.Ile2239Serfs*17) in the EYS gene. It is expected to result in an absent or disrupted protein product. Loss-of-function variants in EYS are known to be pathogenic (PMID: 18836446, 20333770). This variant is present in population databases (rs752953889, gnomAD 0.01%). This premature translational stop signal has been observed in individual(s) with retinitis pigmentosa (PMID: 18976725, 21069908, 26667666, 29550188). This variant is also known as p.Pro2238ProfsX16. ClinVar contains an entry for this variant (Variation ID: 357699). For these reasons, this variant has been classified as Pathogenic.

Natera, Inc.
Classification: Pathogenic for Retinitis pigmentosa type 25. Last evaluated: 2025-12-02. Review status: criteria provided, single submitter. Criteria: Natera Variant Classification Schema (03/2026). Collection method: clinical testing. Allele origin: germline.
Comment: The c.6714delT variant in EYS is a frameshift variant predicted to shift the reading frame beginning at codon 2239 and leads to a stop codon 17 codons downstream. This variant is expected to result in nonsense mediated decay, truncation, or a dysfunctional protein product. This variant is rare in the general population with a frequency below the threshold expected for the associated phenotype(s). This variant has been observed in one or more individuals affected with the associated recessive disease, as either homozygous or compound heterozygous with a second variant (PMID: 25268133). Given the available evidence, this variant is classified as Pathogenic.

Ophthalmology, Kobe City Eye Hospital
Classification: Pathogenic for Retinitis pigmentosa 25. Last evaluated: 2025-11-28. Review status: criteria provided, single submitter. Criteria: Fujinami et al. (Jpn J Ophthalmol. 2024). Collection method: research. Allele origin: germline. Affected: yes. Observed: 1 variant allele.
Comment: This variant was classified according to the ACMG/AMP guidelines. PVS1_VeryStrong: This null variant is predicted to result in loss of normal protein function, and loss of function is an established disease mechanism for EYS-associated retinitis pigmentosa. PMIDs: 18836446, 20333770. PM2_Moderate: This variant is absent or extremely rare in large population databases such as gnomAD, consistent with a recessive disease mechanism. PM3_VeryStrong: This variant has been observed in confirmed trans configuration with a pathogenic EYS variant in an affected individual from our cohort, meeting the ClinGen criteria for upgrading PM3 to Very Strong. PP1_Supporting: The variant shows cosegregation with disease in multiple affected family members, providing supporting evidence for pathogenicity. Based on PVS1_VeryStrong, PM2_Moderate, PM3_VeryStrong, and PP1_Supporting, this variant is classified as pathogenic.

Dasa
Classification: Pathogenic. Last evaluated: 2025-11-26. Review status: criteria provided, single submitter. Criteria: DASA Assertion Criteria. Collection method: clinical testing. Allele origin: germline.
Comment: NM_001142800.2(EYS):c.6714del (p.Ile2239Serfs*17) introduces a premature termination codon predicted to result in loss of normal protein function. Loss-of-function is an established mechanism of disease for this gene. This variant has been recurrently observed in affected individuals with related phenotype in a genotype context consistent with recessive disease (PMID: 18976725; PMID: 21069908; PMID: 26667666; PMID: 29550188). The variant is present at low frequency in population datasets. Based on the available data, this variant is classified as pathogenic.

Baylor Genetics
Classification: Pathogenic for Retinitis pigmentosa 25. Last evaluated: 2024-03-17. Review status: criteria provided, single submitter. Criteria: ACMG Guidelines, 2015. Collection method: clinical testing. Allele origin: unknown.

GeneDx
Classification: Pathogenic. Last evaluated: 2024-03-12. Review status: criteria provided, single submitter. Criteria: GeneDx Variant Classification Process June 2021. Collection method: clinical testing. Allele origin: germline. Affected: yes.
Comment: Frameshift variant predicted to result in protein truncation or nonsense mediated decay in a gene for which loss of function is a known mechanism of disease; This variant is associated with the following publications: (PMID: 32218477, 34426522, 31589614, 32037395, 31816670, 34906470, 37643323, 29550188, 25268133, 31964843, 36284460, 37322672, 36819107, 26667666, 25999674, 34662339, 25494902, 21069908, 33576794, 31074760, 34315337, 32531858, 32036094, 18976725)

Blueprint Genetics
Classification: Pathogenic for EYS-related disorders. Last evaluated: 2023-12-22. Review status: criteria provided, single submitter. Criteria: ACMG Guidelines, 2015. Collection method: clinical testing. Allele origin: germline. Affected: yes. Observed: 5 variant alleles.

CeGaT Center for Human Genetics Tuebingen
Classification: Pathogenic. Last evaluated: 2023-10-01. Review status: criteria provided, single submitter. Criteria: CeGaT Center For Human Genetics Tuebingen Variant Classification Criteria Version 2. Collection method: clinical testing. Allele origin: germline. Affected: yes. Observed: 4 variant alleles.
Comment: EYS: PVS1, PM2, PS4:Moderate

Dept Of Ophthalmology, Nagoya University
Classification: Pathogenic for Retinal dystrophy. Last evaluated: 2023-10-01. Review status: criteria provided, single submitter. Criteria: Submitter's publication. Collection method: research. Allele origin: germline. Affected: yes.

Institute of Human Genetics, Univ. Regensburg, Univ. Regensburg
Classification: Pathogenic for Retinal dystrophy. Last evaluated: 2023-01-01. Review status: criteria provided, single submitter. Criteria: ACMG Guidelines, 2015. Collection method: clinical testing. Allele origin: germline. Affected: yes.

Women's Health and Genetics/Laboratory Corporation of America, LabCorp
Classification: Pathogenic for Retinitis pigmentosa. Last evaluated: 2022-12-13. Review status: criteria provided, single submitter. Criteria: LabCorp Variant Classification Summary - May 2015. Collection method: clinical testing. Allele origin: germline.
Comment: Variant summary: EYS c.6714delT (p.Ile2239SerfsX17) results in a premature termination codon, predicted to cause a truncation of the encoded protein or absence of the protein due to nonsense mediated decay, which are commonly known mechanisms for disease. At least one truncation downstream of this position has been classified as pathogenic by our laboratory. The variant allele was found at a frequency of 3.8e-05 in 157482 control chromosomes (gnomAD). c.6714delT has been reported in the literature as a biallelic genotype in multiple individuals affected with Retinitis Pigmentosa and has been shown to segregate with the disease phenotype in at least one family (e.g. Collin_2008, Barragan_2010, Weisschuh_2020). These data indicate that the variant is very likely to be associated with disease. To our knowledge, no experimental evidence demonstrating an impact on protein function has been reported. Fourteen submitters have provided clinical-significance assessments for this variant to ClinVar after 2014 and all classified the variant as either pathogenic (n= 13) or likely pathogenic (n=1). Based on the evidence outlined above, the variant was classified as pathogenic.

MGZ Medical Genetics Center
Classification: Pathogenic for Retinitis pigmentosa 25. Last evaluated: 2022-06-23. Review status: criteria provided, single submitter. Criteria: ACMG Guidelines, 2015. Collection method: clinical testing. Allele origin: germline. Affected: yes. Observed: 1 variant allele.
Comment: ACMG criteria applied: PVS1, PS4, PM3, PM2_SUP

Fulgent Genetics
Classification: Pathogenic for Retinitis pigmentosa 25. Last evaluated: 2021-12-23. Review status: criteria provided, single submitter. Criteria: ACMG Guidelines, 2015. Collection method: clinical testing. Allele origin: unknown.